The following is an entry in ClinVar:

ClinVar aggregate classification (germline): Pathogenic/Likely pathogenic. Review status: criteria provided, multiple submitters, no conflicts (2 of 4 stars). 9 submissions from 9 submitters: Pathogenic (4); Likely pathogenic (4). 1 of the submissions does not count toward it. Last evaluated 2026-07-01.

Conditions:
Wilson disease (WND). Also called: Wilson's disease. Identifiers: Orphanet 905, MedGen C0019202, MONDO:0010200, OMIM 277900. Disease mechanism: loss of function.

Allele frequency attached by ClinVar (database versions not stated): TOPMed below 0.00001.
gnomAD v4.1: 2 of 1,614,234 alleles (0.00012%); highest among the groups gnomAD compares: South Asian, 0.0022%; no homozygotes.

Submissions (9):

CeGaT Center for Human Genetics Tuebingen
Classification: Pathogenic. Last evaluated: 2026-07-01. Review status: criteria provided, single submitter. Criteria: CeGaT Center For Human Genetics Tuebingen Variant Classification Criteria Version 2. Collection method: clinical testing. Allele origin: germline. Affected: yes. Observed: 1 variant allele.
Comment: ATP7B: PM3:Very Strong, PM2, PM5:Supporting, PP3, PP4

Natera, Inc.
Classification: Likely pathogenic for Wilson disease. Last evaluated: 2025-03-19. Review status: criteria provided, single submitter. Criteria: Natera Variant Classification Schema (03/2026). Collection method: clinical testing. Allele origin: germline.
Comment: The c.2303C>T variant in ATP7B is a missense variant predicted to cause substitution of proline to leucine at amino acid 768. This variant is rare in the general population with a frequency below the threshold expected for the associated phenotype(s). This variant has been observed in one or more individuals affected with the associated recessive disease, as either homozygous or compound heterozygous with a second variant (PMID: 24720933, 31059521, 27831460). This variant has been identified in one or more affected individual with a phenotype highly consistent with the associated gene (PMID: 31059521). Computational prediction algorithms indicate this variant is likely to affect gene or protein function. Given the available evidence, this variant is classified as Likely Pathogenic.

All of Us Research Program, National Institutes of Health
Classification: Likely pathogenic for Wilson disease. Last evaluated: 2024-08-29. Review status: criteria provided, single submitter. Criteria: ACMG Guidelines, 2015. Collection method: clinical testing. Allele origin: germline. Inheritance: Autosomal recessive inheritance. Observed: 3 variant alleles, 3 heterozygotes.
Comment: This missense variant, also referred to as c.2302C>T, replaces proline with leucine at codon 768 of the ATP7B protein. Computational prediction suggests that this variant may have deleterious impact on protein structure and function (internally defined REVEL score threshold >= 0.7, PMID: 27666373). To our knowledge, functional studies have not been reported for this variant. This variant has been observed in the compound heterozygous state and homozygous state in individuals affected with autosomal recessive Wilson disease (PMID: 17264425, 17300695, 17823867, 24720933, 27831460, 31059521, 34400371), indicating that this variant contributes to disease. This variant has not been identified in the general population by the Genome Aggregation Database (gnomAD). Based on the available evidence, this variant is classified as Likely Pathogenic.

This study involves interpretation of variants in research participants for the purpose of population health screening. Participant phenotype was not available at the time of variant classification. Additional details can be found in publication PMID: 35346344, PMCID: PMC8962531

Fulgent Genetics
Classification: Likely pathogenic for Wilson disease. Last evaluated: 2024-06-19. Review status: criteria provided, single submitter. Criteria: ACMG Guidelines, 2015. Collection method: clinical testing. Allele origin: germline.

Labcorp Genetics (formerly Invitae), Labcorp
Classification: Pathogenic for Wilson disease. Last evaluated: 2024-01-22. Review status: criteria provided, single submitter. Criteria: Invitae Variant Classification Sherloc (09022015). Collection method: clinical testing. Allele origin: germline.
Comment: This sequence change replaces proline, which is neutral and non-polar, with leucine, which is neutral and non-polar, at codon 768 of the ATP7B protein (p.Pro768Leu). This variant is not present in population databases (gnomAD no frequency). This missense change has been observed in individual(s) with Wilson disease (PMID: 17264425, 24720933, 31059521). This variant is also known as C2302T. ClinVar contains an entry for this variant (Variation ID: 370887). Advanced modeling of protein sequence and biophysical properties (such as structural, functional, and spatial information, amino acid conservation, physicochemical variation, residue mobility, and thermodynamic stability) performed at Invitae indicates that this missense variant is expected to disrupt ATP7B protein function with a positive predictive value of 80%. For these reasons, this variant has been classified as Pathogenic.

Baylor Genetics
Classification: Pathogenic for Wilson disease. Last evaluated: 2023-06-08. Review status: criteria provided, single submitter. Criteria: ACMG Guidelines, 2015. Collection method: clinical testing. Allele origin: unknown.

Genome-Nilou Lab
Classification: Likely pathogenic for Wilson disease. Last evaluated: 2021-08-10. Review status: criteria provided, single submitter. Criteria: ACMG Guidelines, 2015. Collection method: clinical testing. Allele origin: germline. Affected: no.

Clinical Genetics Service, Universitary Hospital 12 de Octubre
Classification: Pathogenic for Wilson disease. Review status: criteria provided, single submitter. Criteria: ACMG Guidelines, 2015. Collection method: clinical testing. Allele origin: germline. Affected: yes.

Counsyl
Classification: Likely pathogenic for Wilson disease. Last evaluated: 2016-05-24. Review status: no assertion criteria provided. Collection method: clinical testing. Allele origin: unknown. Not counted in ClinVar's aggregate classification.

Literature cited by the submitters: PubMed 24720933 (cited by 4 submitters); PubMed 31059521 (cited by 3 submitters); PubMed 27831460 (cited by Natera, Inc. and All of Us Research Program, National Institutes of Health); PubMed 17264425 (cited by 3 submitters); PubMed 17300695 (cited by All of Us Research Program, National Institutes of Health and Counsyl); PubMed 17823867 (cited by All of Us Research Program, National Institutes of Health); PubMed 34400371 (cited by All of Us Research Program, National Institutes of Health); PubMed 22692182 (cited by Counsyl).

NM_000053.4(ATP7B):c.2303C>T (p.Pro768Leu)

Gene: ATP7B (ATPase copper transporting beta; minus strand). Cytogenetic location: 13q14.3.
Variant type: single nucleotide variant.
Coding change: c.2303C>T on transcript NM_000053.4 (MANE Select); coding-DNA position 2303, C replaced by T.
Protein change: p.Pro768Leu; replaces proline 768 with leucine.
Molecular consequence: missense variant. On other transcripts: intron variant (2).
Genome position (GRCh38, 1-based): chr13:51,958,363, G>A on the plus strand (C>T on the coding strand, the complement: ATP7B is on the minus strand). VCF-style: chr13-51958363-G-A. GRCh37 (hg19) VCF-style: chr13-52532499-G-A.
Other names: c.1970C>T, p.Pro657Leu (NM_001243182.2); c.2051C>T, p.Pro684Leu (NM_001330579.2); c.1870-756C>T (NM_001005918.3); c.2122-756C>T (NM_001330578.2); short protein forms P768L, P684L, P657L.
Identifiers: ClinVar variation 370887 (VCV000370887.20), dbSNP rs1057516844, ClinGen allele CA16041671.